The following is an entry in ClinVar:

NM_006196.4(PCBP1):c.749dup (p.Met250fs)

Gene: PCBP1 (poly(rC) binding protein 1; plus strand). Cytogenetic location: 2p13.3.
Variant type: Duplication.
Coding change: c.749dup on transcript NM_006196.4 (MANE Select); coding-DNA position 749, one base duplicated (T; older notation c.749dupT).
Protein change: p.Met250fs; shifts the reading frame from methionine 250.
Molecular consequence: frameshift variant.
Genome position (GRCh38, 1-based): chr2:70,088,492, T duplicated. VCF-style (leftmost placement, unchanged base first): chr2-70088491-A-AT. GRCh37 (hg19) VCF-style: chr2-70315623-A-AT.
Other names: short protein forms M250fs.
Identifiers: ClinVar variation 4852561 (VCV004852561.1).

ClinVar aggregate classification (germline): Pathogenic (1 of 4 stars; one submission).

Conditions:
Neurodevelopmental disorder. Identifiers: MedGen C1535926, MeSH D065886, MONDO:0700092.

Submission:

Laboratory of Molecular Genetics (Pr. Bezieau's lab), CHU de Nantes
Classification: Pathogenic for Neurodevelopmental disorder. Last evaluated: 2026-05-27. Review status: criteria provided, single submitter. Criteria: ACMG Guidelines, 2015. Collection method: clinical testing. Allele origin: de novo. Inheritance: Autosomal dominant inheritance. Affected: yes. Observed: 1 variant allele, 1 heterozygote.
Comment: Evidence for loss of function/haploinsufficiency being pathogenic in PMID: 41415500. ACMG criteria: PVS1, PS2, PM2. Protein change: p.(Met250Ilefs*12).

Literature cited by the submitters: PubMed 41415500.